The following is an entry in ClinVar:

NM_032043.3(BRIP1):c.2789C>G (p.Ser930Ter)

Gene: BRIP1 (BRCA1 interacting DNA helicase 1; minus strand). Cytogenetic location: 17q23.2.
Variant type: single nucleotide variant.
Coding change: c.2789C>G on transcript NM_032043.3 (MANE Select); coding-DNA position 2789, C replaced by G.
Protein change: p.Ser930Ter; replaces serine 930 with a stop codon.
Molecular consequence: nonsense.
Genome position (GRCh38, 1-based): chr17:61,685,952, G>C on the plus strand (C>G on the coding strand, the complement: BRIP1 is on the minus strand). VCF-style: chr17-61685952-G-C. GRCh37 (hg19) VCF-style: chr17-59763313-G-C.
Other names: short protein forms S930*.
Identifiers: ClinVar variation 3379276 (VCV003379276.1).

ClinVar aggregate classification (germline): Pathogenic (1 of 4 stars; one submission).

Conditions:
Familial cancer of breast. Also called: hereditary breast carcinoma; Hereditary breast cancer; BREAST CANCER, FAMILIAL. Identifiers: Orphanet 227535, MedGen C0346153, MONDO:0016419, OMIM 114480. Disease mechanism: loss of function.

Submission:

Myriad Genetics, Inc.
Classification: Pathogenic for Familial cancer of breast. Last evaluated: 2024-09-05. Review status: criteria provided, single submitter. Criteria: Myriad Autosomal Dominant, Autosomal Recessive and X-Linked Classification Criteria (2023). Collection method: clinical testing. Allele origin: unknown.
Comment: This variant is considered pathogenic. This variant creates a termination codon and is predicted to result in premature protein truncation.